The following is an entry in ClinVar:

NM_198253.3(TERT):c.553C>G (p.Arg185Gly)

Gene: TERT (telomerase reverse transcriptase; minus strand). Cytogenetic location: 5p15.33.
Variant type: single nucleotide variant.
Coding change: c.553C>G on transcript NM_198253.3 (MANE Select); coding-DNA position 553, C replaced by G.
Protein change: p.Arg185Gly; replaces arginine 185 with glycine.
Molecular consequence: missense variant. On other transcripts: non-coding transcript variant (2).
Genome position (GRCh38, 1-based): chr5:1,294,333, G>C on the plus strand (C>G on the coding strand, the complement: TERT is on the minus strand). VCF-style: chr5-1294333-G-C. GRCh37 (hg19) VCF-style: chr5-1294448-G-C.
Other names: c.553C>G, p.Arg185Gly (NM_001193376.3); short protein forms R185G.
Identifiers: ClinVar variation 3967322 (VCV003967322.1).

ClinVar aggregate classification (germline): Uncertain significance (1 of 4 stars; one submission).

Conditions:
Dyskeratosis congenita. Identifiers: Orphanet 1775, MedGen C0265965, MONDO:0015780.

gnomAD v4.1: 1 of 1,579,854 alleles (0.000063%); highest among the groups gnomAD compares: South Asian, 0.0011%; no homozygotes.

Submission:

Ambry Genetics
Classification: Uncertain significance for Dyskeratosis congenita. Last evaluated: 2025-05-19. Review status: criteria provided, single submitter. Criteria: Ambry Variant Classification Scheme 2023. Collection method: clinical testing. Allele origin: germline.
Comment: The p.R185G variant (also known as c.553C>G), located in coding exon 2 of the TERT gene, results from a C to G substitution at nucleotide position 553. The arginine at codon 185 is replaced by glycine, an amino acid with dissimilar properties. This amino acid position is conserved. In addition, this alteration is predicted to be tolerated by in silico analysis. Based on the available evidence, the clinical significance of this variant remains unclear.